The following is an entry in ClinVar:

NM_002979.5(SCP2):c.1205T>C (p.Leu402Pro)

Gene: SCP2 (sterol carrier protein 2; plus strand). Cytogenetic location: 1p32.3.
Variant type: single nucleotide variant.
Coding change: c.1205T>C on transcript NM_002979.5 (MANE Select); coding-DNA position 1205, T replaced by C.
Protein change: p.Leu402Pro; replaces leucine 402 with proline.
Molecular consequence: missense variant. On other transcripts: 5 prime UTR variant (3).
Genome position (GRCh38, 1-based): chr1:53,015,013, T>C. VCF-style: chr1-53015013-T-C. GRCh37 (hg19) VCF-style: chr1-53480685-T-C.
Other names: c.-8T>C (NM_001007099.3, NM_001007100.3, NM_001007250.3); c.1133T>C, p.Leu378Pro (NM_001193599.2); c.1073T>C, p.Leu358Pro (NM_001193600.2); c.962T>C, p.Leu321Pro (NM_001193617.2); short protein forms L358P, L378P, L321P, L402P.
Identifiers: ClinVar variation 4998549 (VCV004998549.1).

ClinVar aggregate classification (germline): Uncertain significance (1 of 4 stars; one submission).

Conditions:
SCP2-related disorder. Also called: SCP2-related condition.

gnomAD v4.1: 1 of 1,614,072 alleles (0.000062%); highest among the groups gnomAD compares: Non-Finnish European, 0.000085%; no homozygotes.

Submission:

PreventionGenetics, part of Exact Sciences
Classification: Uncertain significance for SCP2-related condition. Last evaluated: 2025-03-03. Review status: criteria provided, single submitter. Criteria: ACMG Guidelines, 2015. Collection method: clinical testing. Allele origin: germline.
Comment: The SCP2 c.1205T>C variant is predicted to result in the amino acid substitution p.Leu402Pro. To our knowledge, this variant has not been reported in the literature or in a large population database (gnomAD), indicating this variant is rare. At this time, the clinical significance of this variant is uncertain due to the absence of conclusive functional and genetic evidence.